The following is an entry in ClinVar:

ClinVar aggregate classification (germline): Uncertain significance (1 of 4 stars; one submission).

Submission:

Labcorp Genetics (formerly Invitae), Labcorp
Classification: Uncertain significance. Last evaluated: 2022-10-14. Review status: criteria provided, single submitter. Criteria: Invitae Variant Classification Sherloc (09022015). Collection method: clinical testing. Allele origin: germline.
Comment: In summary, the available evidence is currently insufficient to determine the role of this variant in disease. Therefore, it has been classified as a Variant of Uncertain Significance. Algorithms developed to predict the effect of missense changes on protein structure and function are either unavailable or do not agree on the potential impact of this missense change (SIFT: "Not Available"; PolyPhen-2: "Benign"; Align-GVGD: "Not Available"). This variant has not been reported in the literature in individuals affected with C3-related conditions. Information on the frequency of this variant in the gnomAD database is not available, as this variant may be reported differently in the database. This sequence change replaces alanine, which is neutral and non-polar, with leucine, which is neutral and non-polar, at codon 434 of the C3 protein (p.Ala434Leu).

NM_000064.4(C3):c.1300_1301delinsTT (p.Ala434Leu)

Gene: C3 (complement C3; minus strand). Cytogenetic location: 19p13.3.
Variant type: Indel.
Coding change: c.1300_1301delinsTT on transcript NM_000064.4 (MANE Select); coding-DNA positions 1300 to 1301, GC replaced by TT.
Protein change: p.Ala434Leu; replaces alanine 434 with leucine.
Molecular consequence: missense variant.
Genome position (GRCh38, 1-based): chr19:6,711,165-6,711,166, GC replaced by AA on the plus strand (GC replaced by TT on the coding strand, the reverse complement: C3 is on the minus strand). VCF-style: chr19-6711165-GC-AA. GRCh37 (hg19) VCF-style: chr19-6711176-GC-AA.
Other names: short protein forms A434L.
Identifiers: ClinVar variation 2010406 (VCV002010406.4), dbSNP rs2512262762, ClinGen allele CA2580097023.
Genomic context (GRCh38, chr19:6,711,165, plus strand): 5'-TTGTTGGAGTTGCCCACGGTGCTGTAGGGCAGAGCCTGCATGGTCCTGGTAGCCTGCTCT[GC>AA]CTCCGAGAGCTCCTGCTTCTTCGTGCGCACCTGGGTGGGGAAAGAGGGATGCCTGCTGGT-3'
Protein context (NP_000055.2, residues 424-444): VRTKKQELSE[Ala434Leu]EQATRTMQAL